The following is an entry in ClinVar:

NM_002180.3(IGHMBP2):c.181G>C (p.Gly61Arg)

Gene: IGHMBP2 (immunoglobulin mu DNA binding protein 2; plus strand). Cytogenetic location: 11q13.3.
Variant type: single nucleotide variant.
Coding change: c.181G>C on transcript NM_002180.3 (MANE Select); coding-DNA position 181, G replaced by C.
Protein change: p.Gly61Arg; replaces glycine 61 with arginine.
Molecular consequence: missense variant.
Genome position (GRCh38, 1-based): chr11:68,906,163, G>C. VCF-style: chr11-68906163-G-C. GRCh37 (hg19) VCF-style: chr11-68673631-G-C.
Other names: short protein forms G61R.
Identifiers: ClinVar variation 575884 (VCV000575884.13), dbSNP rs1057518943, ClinGen allele CA381642415.
Genomic context (GRCh38, chr11:68,906,163, plus strand): 5'-CAGAGCCGAGGCGTGTGTTTGCTGAAGCTGCAGGTATCCAGCCAGCGCACTGGGCTGTAC[G>C]GACGGCTGCTGGTCACCTTTGAGCCCAGGCGATACGGGTCCGCGGCAGCTCTTCCCAGTA-3'
Protein context (NP_002171.2, residues 51-71): QVSSQRTGLY[Gly61Arg]RLLVTFEPRR

ClinVar aggregate classification (germline): Conflicting classifications of pathogenicity. Review status: criteria provided, conflicting classifications (1 of 4 stars). 5 submissions from 5 submitters: Likely pathogenic (1); Uncertain significance (1). 3 of the submissions do not count toward it. Last evaluated 2023-08-28.

Conditions:
Inborn genetic diseases. Identifiers: MedGen C0950123, MeSH D030342.
Charcot-Marie-Tooth disease axonal type 2S. Also called: CHARCOT-MARIE-TOOTH NEUROPATHY, TYPE 2S; CHARCOT-MARIE-TOOTH DISEASE, AXONAL, AUTOSOMAL RECESSIVE, TYPE 2S. Identifiers: Orphanet 443073, MedGen C4015349, MONDO:0014511, OMIM 616155.
Autosomal recessive distal spinal muscular atrophy 1. Also called: SEVERE INFANTILE AXONAL NEUROPATHY WITH RESPIRATORY FAILURE; SPINAL MUSCULAR ATROPHY, DIAPHRAGMATIC; Spinal muscular atrophy with respiratory distress 1; HMN VI; NEURONOPATHY, SEVERE INFANTILE AXONAL, WITH RESPIRATORY FAILURE; NEURONOPATHY, DISTAL HEREDITARY MOTOR, HARDING TYPE VI. Identifiers: Orphanet 98920, MedGen C1858517, MONDO:0011436, OMIM 604320.

Allele frequency attached by ClinVar (database versions not stated): gnomAD exomes 0.00001; TOPMed 0.00001.
gnomAD v4.1: 18 of 1,614,072 alleles (0.0011%); highest among the groups gnomAD compares: Non-Finnish European, 0.0015%; no homozygotes.

Submissions (5):

Labcorp Genetics (formerly Invitae), Labcorp
Classification: Likely pathogenic for Autosomal recessive distal spinal muscular atrophy 1; Charcot-Marie-Tooth disease axonal type 2S. Last evaluated: 2023-08-28. Review status: criteria provided, single submitter. Criteria: Invitae Variant Classification Sherloc (09022015). Collection method: clinical testing. Allele origin: germline.
Comment: This sequence change replaces glycine, which is neutral and non-polar, with arginine, which is basic and polar, at codon 61 of the IGHMBP2 protein (p.Gly61Arg). This variant is present in population databases (no rsID available, gnomAD 0.002%). This missense change has been observed in individuals with IGHMBP2-related conditions (Invitae). It has also been observed to segregate with disease in related individuals. ClinVar contains an entry for this variant (Variation ID: 575884). Advanced modeling of protein sequence and biophysical properties (such as structural, functional, and spatial information, amino acid conservation, physicochemical variation, residue mobility, and thermodynamic stability) has been performed at Invitae for this missense variant, however the output from this modeling did not meet the statistical confidence thresholds required to predict the impact of this variant on IGHMBP2 protein function. In summary, the currently available evidence indicates that the variant is pathogenic, but additional data are needed to prove that conclusively. Therefore, this variant has been classified as Likely Pathogenic.

Ambry Genetics
Classification: Uncertain significance for Inborn genetic diseases. Last evaluated: 2021-03-03. Review status: criteria provided, single submitter. Criteria: Ambry Variant Classification Scheme 2023. Collection method: clinical testing. Allele origin: germline.
Comment: The p.G61R variant (also known as c.181G>C), located in coding exon 2 of the IGHMBP2 gene, results from a G to C substitution at nucleotide position 181. The glycine at codon 61 is replaced by arginine, an amino acid with dissimilar properties. This amino acid position is highly conserved in available vertebrate species. In addition, this alteration is predicted to be deleterious by in silico analysis. Since supporting evidence is limited at this time, the clinical significance of this alteration remains unclear.

Genome Diagnostics Laboratory, Amsterdam University Medical Center
Classification: Uncertain significance. Review status: no assertion criteria provided. Collection method: clinical testing. Allele origin: germline. Affected: yes. Study: VKGL Data-share Consensus. Not counted in ClinVar's aggregate classification.

Joint Genome Diagnostic Labs from Nijmegen and Maastricht, Radboudumc and MUMC+
Classification: Uncertain significance. Review status: no assertion criteria provided. Collection method: clinical testing. Allele origin: germline. Affected: yes. Study: VKGL Data-share Consensus. Not counted in ClinVar's aggregate classification.

Laboratory of Diagnostic Genome Analysis, Leiden University Medical Center (LUMC)
Classification: Uncertain significance. Review status: no assertion criteria provided. Collection method: clinical testing. Allele origin: germline. Affected: yes. Study: VKGL Data-share Consensus. Not counted in ClinVar's aggregate classification.